The following is an entry in ClinVar:

ClinVar aggregate classification (germline): Pathogenic. Review status: criteria provided, single submitter (1 of 4 stars). 2 submissions from 2 submitters: Pathogenic (1). 1 of the submissions does not count toward it. Last evaluated 2025-08-25.
ClinVar aggregate classification (oncogenicity): Uncertain significance (1 of 4 stars; one submission).

Conditions:
Progressive myositis ossificans (FOP). Also called: Fibrodysplasia Ossificans Progressiva; Progressive ossifying myositis; Myositis ossificans progressiva. Identifiers: Orphanet 337, MedGen C0016037, MONDO:0007606, OMIM 135100.
Neoplasm. Also called: Neoplasms; Neoplasm (disease); tumor. Identifiers: MedGen C0027651, MeSH D009369, MONDO:0005070, HP:0002664.

Submissions (3):

Center for Genomic Medicine, Rigshospitalet, Copenhagen University Hospital
Classification: Uncertain significance for Neoplasm. Last evaluated: 2025-12-29. Review status: criteria provided, single submitter. Criteria: ClinGen/CGC/VICC Guidelines for Oncogenicity, 2022. Collection method: clinical testing. Allele origin: somatic. Affected: yes.

Labcorp Genetics (formerly Invitae), Labcorp
Classification: Pathogenic. Last evaluated: 2025-08-25. Review status: criteria provided, single submitter. Criteria: Invitae Variant Classification Sherloc (09022015). Collection method: clinical testing. Allele origin: germline.
Comment: This sequence change replaces glycine, which is neutral and non-polar, with arginine, which is basic and polar, at codon 328 of the ACVR1 protein (p.Gly328Arg). This variant is not present in population databases (gnomAD no frequency). This missense change has been observed in individuals with fibrodysplasia ossificans progressiva (PMID: 19085907). It has also been observed to segregate with disease in related individuals. ClinVar contains an entry for this variant (Variation ID: 29593). An algorithm developed to predict the effect of missense changes on protein structure and function (PolyPhen-2) suggests that this variant is likely to be disruptive. Experimental studies have shown that this missense change affects ACVR1 function (PMID: 22977237, 29307777). This variant disrupts the p.Gly328 amino acid residue in ACVR1. Other variant(s) that disrupt this residue have been determined to be pathogenic (PMID: 19085907, 29307777, 31012264, 33973349). This suggests that this residue is clinically significant, and that variants that disrupt this residue are likely to be disease-causing. For these reasons, this variant has been classified as Pathogenic.

OMIM
Classification: Pathogenic for FIBRODYSPLASIA OSSIFICANS PROGRESSIVA. Last evaluated: 2009-03-01. Review status: no assertion criteria provided. Collection method: literature only. Allele origin: germline. Not counted in ClinVar's aggregate classification.

Literature cited by the submitters: PubMed 29097342 (cited by Center for Genomic Medicine, Rigshospitalet, Copenhagen University Hospital); PubMed 30833574 (cited by Center for Genomic Medicine, Rigshospitalet, Copenhagen University Hospital); PubMed 2470525 (cited by Center for Genomic Medicine, Rigshospitalet, Copenhagen University Hospital); PubMed 24705251 (cited by Center for Genomic Medicine, Rigshospitalet, Copenhagen University Hospital); PubMed 19085907 (cited by Labcorp Genetics (formerly Invitae), Labcorp and OMIM); PubMed 22977237 (cited by Labcorp Genetics (formerly Invitae), Labcorp); PubMed 29307777 (cited by Labcorp Genetics (formerly Invitae), Labcorp); PubMed 31012264 (cited by Labcorp Genetics (formerly Invitae), Labcorp); PubMed 33973349 (cited by Labcorp Genetics (formerly Invitae), Labcorp); PubMed 10441661 (cited by OMIM).

NM_001111067.4(ACVR1):c.982G>A (p.Gly328Arg)

Gene: ACVR1 (activin A receptor type 1; minus strand). Cytogenetic location: 2q24.1.
Variant type: single nucleotide variant.
Coding change: c.982G>A on transcript NM_001111067.4 (MANE Select); coding-DNA position 982, G replaced by A.
Protein change: p.Gly328Arg; replaces glycine 328 with arginine.
Molecular consequence: missense variant.
Genome position (GRCh38, 1-based): chr2:157,766,005, C>T on the plus strand (G>A on the coding strand, the complement: ACVR1 is on the minus strand). VCF-style: chr2-157766005-C-T. GRCh37 (hg19) VCF-style: chr2-158622517-C-T.
Other names: c.982G>A, p.Gly328Arg (NM_001105.5, NM_001347663.1, NM_001347664.1 and 3 more transcripts); short protein forms G328R.
Identifiers: ClinVar variation 29593 (VCV000029593.4), dbSNP rs387906588, ClinGen allele CA213010.